The following is an entry in ClinVar:

ClinVar aggregate classification (germline): Conflicting classifications of pathogenicity. Review status: criteria provided, conflicting classifications (1 of 4 stars). 2 submissions from 2 submitters: Uncertain significance (1); Likely benign (1). Last evaluated 2023-12-05.

Conditions:
Hereditary cancer-predisposing syndrome. Also called: Hereditary Cancer Syndrome; Neoplastic Syndromes, Hereditary; Tumor predisposition; Hereditary neoplastic syndrome. Identifiers: Orphanet 140162, MedGen C0027672, MeSH D009386, MONDO:0015356.

Submissions (2):

Color Diagnostics, LLC DBA Color Health
Classification: Uncertain significance for Hereditary cancer-predisposing syndrome. Last evaluated: 2023-12-05. Review status: criteria provided, single submitter. Criteria: ACMG Guidelines, 2015. Collection method: clinical testing. Allele origin: germline.
Comment: This missense variant replaces aspartic acid with glutamic acid at codon 820 of the BRCA2 protein. Computational prediction suggests that this variant may not impact protein structure and function (internally defined REVEL score threshold <= 0.5, PMID: 27666373). To our knowledge, functional studies have not been reported for this variant. This variant has not been reported in individuals affected with BRCA2-related disorders in the literature. This variant has not been identified in the general population by the Genome Aggregation Database (gnomAD). The available evidence is insufficient to determine the role of this variant in disease conclusively. Therefore, this variant is classified as a Variant of Uncertain Significance.

University of Washington Department of Laboratory Medicine, University of Washington
Classification: Likely benign for Hereditary cancer-predisposing syndrome. Last evaluated: 2023-03-23. Review status: criteria provided, single submitter. Criteria: Dines et al. (Genet Med. 2020). Collection method: curation. Allele origin: germline.
Comment: Missense variant in a coldspot region where missense variants are very unlikely to be pathogenic (PMID:31911673).

BRCA2 exon 11 coldspot. Reclassification based on statistical prior probability.

NM_000059.4(BRCA2):c.2460T>G (p.Asp820Glu)

Gene: BRCA2 (BRCA2 DNA repair associated; plus strand). Cytogenetic location: 13q13.1.
Variant type: single nucleotide variant.
Coding change: c.2460T>G on transcript NM_000059.4 (MANE Select); coding-DNA position 2460, T replaced by G.
Protein change: p.Asp820Glu; replaces aspartic acid 820 with glutamic acid.
Molecular consequence: missense variant.
Genome position (GRCh38, 1-based): chr13:32,336,815, T>G. VCF-style: chr13-32336815-T-G. GRCh37 (hg19) VCF-style: chr13-32910952-T-G.
Other names: short protein forms D820E.
Identifiers: ClinVar variation 489750 (VCV000489750.8), dbSNP rs1555282686, ClinGen allele CA387772324.